The following is an entry in ClinVar:

NM_004360.5(CDH1):c.1222G>C (p.Ala408Pro)

Gene: CDH1 (cadherin 1; plus strand). Cytogenetic location: 16q22.1.
Variant type: single nucleotide variant.
Coding change: c.1222G>C on transcript NM_004360.5 (MANE Select); coding-DNA position 1222, G replaced by C.
Protein change: p.Ala408Pro; replaces alanine 408 with proline.
Molecular consequence: missense variant. On other transcripts: 5 prime UTR variant (2), intron variant (1).
Genome position (GRCh38, 1-based): chr16:68,813,397, G>C. VCF-style: chr16-68813397-G-C. GRCh37 (hg19) VCF-style: chr16-68847300-G-C.
Other names: c.-394G>C (NM_001317185.2); c.-598G>C (NM_001317186.2); c.1137+1134G>C (NM_001317184.2); short protein forms A408P.
Identifiers: ClinVar variation 943400 (VCV000943400.11), dbSNP rs1960894869, ClinGen allele CA396461376.

ClinVar aggregate classification (germline): Uncertain significance. Review status: criteria provided, multiple submitters, no conflicts (2 of 4 stars). 2 submissions from 2 submitters: Uncertain significance (2). Last evaluated 2024-01-28.

Conditions:
Hereditary diffuse gastric adenocarcinoma (HDGC). Also called: DIFFUSE GASTRIC AND LOBULAR BREAST CANCER SYNDROME. Identifiers: Orphanet 26106, MedGen C1708349, MONDO:0007648, OMIM 137215.
Hereditary cancer-predisposing syndrome. Also called: Neoplastic Syndromes, Hereditary; Hereditary neoplastic syndrome; Hereditary Cancer Syndrome; Tumor predisposition. Identifiers: Orphanet 140162, MedGen C0027672, MeSH D009386, MONDO:0015356.

Submissions (2):

Ambry Genetics
Classification: Uncertain significance for Hereditary cancer-predisposing syndrome. Last evaluated: 2024-01-28. Review status: criteria provided, single submitter. Criteria: Ambry Variant Classification Scheme 2023. Collection method: clinical testing. Allele origin: germline.
Comment: The p.A408P variant (also known as c.1222G>C), located in coding exon 9 of the CDH1 gene, results from a G to C substitution at nucleotide position 1222. The alanine at codon 408 is replaced by proline, an amino acid with highly similar properties. This amino acid position is conserved. In addition, this alteration is predicted to be tolerated by in silico analysis. Based on the available evidence, the clinical significance of this alteration remains unclear.

Labcorp Genetics (formerly Invitae), Labcorp
Classification: Uncertain significance for Hereditary diffuse gastric adenocarcinoma. Last evaluated: 2019-07-01. Review status: criteria provided, single submitter. Criteria: Invitae Variant Classification Sherloc (09022015). Collection method: clinical testing. Allele origin: germline.
Comment: In summary, the available evidence is currently insufficient to determine the role of this variant in disease. Therefore, it has been classified as a Variant of Uncertain Significance. Algorithms developed to predict the effect of missense changes on protein structure and function (SIFT, PolyPhen-2, Align-GVGD) all suggest that this variant is likely to be disruptive, but these predictions have not been confirmed by published functional studies and their clinical significance is uncertain. This variant has not been reported in the literature in individuals with CDH1-related conditions. This variant is not present in population databases (ExAC no frequency). This sequence change replaces alanine with proline at codon 408 of the CDH1 protein (p.Ala408Pro). The alanine residue is highly conserved and there is a small physicochemical difference between alanine and proline.